The following is an entry in ClinVar:

NM_152468.5(TMC8):c.326A>T (p.Tyr109Phe)

Genes: TMC6 (transmembrane channel like 6; minus strand), TMC8 (transmembrane channel like 8; plus strand), LOC130061793 (ATAC-STARR-seq lymphoblastoid silent region 9044; plus strand). Cytogenetic location: 17q25.3.
Variant type: single nucleotide variant.
Coding change: c.326A>T on transcript NM_152468.5 (MANE Select); coding-DNA position 326, A replaced by T.
Protein change: p.Tyr109Phe; replaces tyrosine 109 with phenylalanine.
Molecular consequence: missense variant. On other transcripts: 5 prime UTR variant (1).
Genome position (GRCh38, 1-based): chr17:78,132,386, A>T. VCF-style: chr17-78132386-A-T. GRCh37 (hg19) VCF-style: chr17-76128467-A-T.
Other names: c.-120T>A (NM_007267.7); short protein forms Y109F.
Identifiers: ClinVar variation 2054703 (VCV002054703.4), dbSNP rs748223948, ClinGen allele CA8796414.

ClinVar aggregate classification (germline): Uncertain significance (1 of 4 stars; one submission).

Conditions:
Epidermodysplasia verruciformis. Identifiers: Orphanet 302, MedGen C0014522, MONDO:0009176.

Allele frequency attached by ClinVar (database versions not stated): ExAC 0.00004.
gnomAD v4.1: 21 of 1,613,032 alleles (0.0013%); highest among the groups gnomAD compares: South Asian, 0.023%; no homozygotes.

Submission:

Labcorp Genetics (formerly Invitae), Labcorp
Classification: Uncertain significance for Epidermodysplasia verruciformis. Last evaluated: 2022-06-11. Review status: criteria provided, single submitter. Criteria: Invitae Variant Classification Sherloc (09022015). Collection method: clinical testing. Allele origin: germline.
Comment: Algorithms developed to predict the effect of missense changes on protein structure and function are either unavailable or do not agree on the potential impact of this missense change (SIFT: "Deleterious"; PolyPhen-2: "Probably Damaging"; Align-GVGD: "Class C0"). This variant has not been reported in the literature in individuals affected with TMC8-related conditions. This variant is present in population databases (rs748223948, gnomAD 0.02%). This sequence change replaces tyrosine, which is neutral and polar, with phenylalanine, which is neutral and non-polar, at codon 109 of the TMC8 protein (p.Tyr109Phe). In summary, the available evidence is currently insufficient to determine the role of this variant in disease. Therefore, it has been classified as a Variant of Uncertain Significance.